The following is an entry in ClinVar:

NM_001270974.2(HYDIN):c.950G>A (p.Arg317Gln)

Gene: HYDIN (HYDIN axonemal central pair apparatus protein; minus strand). Cytogenetic location: 16q22.2.
Variant type: single nucleotide variant.
Coding change: c.950G>A on transcript NM_001270974.2 (MANE Select); coding-DNA position 950, G replaced by A.
Protein change: p.Arg317Gln; replaces arginine 317 with glutamine.
Molecular consequence: missense variant.
Genome position (GRCh38, 1-based): chr16:71,137,244, C>T on the plus strand (G>A on the coding strand, the complement: HYDIN is on the minus strand). VCF-style: chr16-71137244-C-T. GRCh37 (hg19) VCF-style: chr16-71171147-C-T.
Other names: c.950G>A (NM_001270974.1); c.950G>A, p.Arg317Gln (NM_017558.5); c.1031G>A, p.Arg344Gln (NM_001198542.1); c.1001G>A, p.Arg334Gln (NM_001198543.1); short protein forms R317Q, R334Q, R344Q.
Identifiers: ClinVar variation 2646795 (VCV002646795.25), dbSNP rs200044160, ClinGen allele CA8151478.

ClinVar aggregate classification (germline): Uncertain significance. Review status: criteria provided, multiple submitters, no conflicts (2 of 4 stars). 3 submissions from 3 submitters: Uncertain significance (3). Last evaluated 2026-08-01.

Conditions:
Primary ciliary dyskinesia 5. Also called: CILIARY DYSKINESIA, PRIMARY, 5, WITHOUT SITUS INVERSUS. Identifiers: Orphanet 244, MedGen C1837615, MONDO:0012088, OMIM 608647.

Allele frequency attached by ClinVar (database versions not stated): gnomAD 0.00001; gnomAD exomes 0.00001; ExAC 0.00018.
gnomAD v4.1: 6 of 726,648 alleles (0.00083%); highest among the groups gnomAD compares: East Asian, 0.0026%; no homozygotes.

Submissions (3):

CeGaT Center for Human Genetics Tuebingen
Classification: Uncertain significance. Last evaluated: 2026-08-01. Review status: criteria provided, single submitter. Criteria: CeGaT Center For Human Genetics Tuebingen Variant Classification Criteria Version 2. Collection method: clinical testing. Allele origin: germline. Affected: yes. Observed: 3 variant alleles.
Comment: HYDIN: PM2, BP4

GeneDx
Classification: Uncertain significance. Last evaluated: 2025-02-18. Review status: criteria provided, single submitter. Criteria: GeneDx Variant Classification Process June 2021. Collection method: clinical testing. Allele origin: germline. Affected: yes.
Comment: Observed as a single heterozygous variant in an individual from a cohort of patients with primary ciliary dyskinesia (PMID: 31879361); Not observed at significant frequency in large population cohorts (gnomAD); In silico analysis supports that this missense variant has a deleterious effect on protein structure/function; This variant is associated with the following publications: (PMID: 31879361)

Neuberg Centre For Genomic Medicine, NCGM
Classification: Uncertain significance for Primary ciliary dyskinesia 5. Review status: criteria provided, single submitter. Criteria: ACMG Guidelines, 2015. Collection method: clinical testing. Allele origin: germline. Inheritance: Autosomal recessive inheritance. Affected: yes.
Comment: The missense c.950G>A (p.Arg317Gln) variant in the HYDIN gene has not been reported previously as a pathogenic variant nor as a benign variant, to our knowledge. This variant is reported with the allele frequency (0.002%) in the gnomAD Exomes and novel in 1000 Genomes. The amino acid Arginine at position 317 is changed to a Glutamine changing protein sequence and it might alter its composition and physico-chemical properties. The variant is predicted as damaging by SIFT. The amino acid change p.Arg317Gln in HYDIN is predicted as conserved by GERP++ and PhyloP across 100 vertebrates. For these reasons, this variant has been classified as Uncertain Significance.